The following is an entry in ClinVar:

ClinVar aggregate classification (germline): Pathogenic (1 of 4 stars; one submission).

Conditions:
Hereditary cancer-predisposing syndrome. Also called: Neoplastic Syndromes, Hereditary; Tumor predisposition; Hereditary neoplastic syndrome; Hereditary Cancer Syndrome. Identifiers: Orphanet 140162, MedGen C0027672, MeSH D009386, MONDO:0015356.

Submission:

Ambry Genetics
Classification: Pathogenic for Hereditary cancer-predisposing syndrome. Last evaluated: 2023-11-21. Review status: criteria provided, single submitter. Criteria: Ambry Variant Classification Scheme 2023. Collection method: clinical testing. Allele origin: germline.
Comment: The c.1085_1088dupGTCT pathogenic mutation, located in coding exon 9 of the CHEK2 gene, results from a duplication of GTCT at nucleotide position 1085, causing a translational frameshift with a predicted alternate stop codon (p.I364Sfs*6). This variant is considered to be rare based on population cohorts in the Genome Aggregation Database (gnomAD). This alteration is expected to result in loss of function by premature protein truncation or nonsense-mediated mRNA decay. As such, this alteration is interpreted as a disease-causing mutation.

NM_007194.4(CHEK2):c.1085_1088dup (p.Ile364fs)

Gene: CHEK2 (checkpoint kinase 2; minus strand). Cytogenetic location: 22q12.1.
Variant type: Duplication.
Coding change: c.1085_1088dup on transcript NM_007194.4 (MANE Select); coding-DNA positions 1085 to 1088, 4 bases duplicated (GTCT; older notation c.1085_1088dupGTCT).
Protein change: p.Ile364fs; shifts the reading frame from isoleucine 364.
Molecular consequence: frameshift variant. On other transcripts: intron variant (3).
Genome position (GRCh38, 1-based): chr22:28,696,908-28,696,911, AGAC duplicated on the plus strand (GTCT on the coding strand, the reverse complement: CHEK2 is on the minus strand); duplicating any 4 consecutive bases within chr22:28,696,908-28,696,913 gives the same sequence; the c. name uses the placement nearest the transcript's 3' end. VCF-style (leftmost placement, unchanged base first): chr22-28696907-A-AAGAC. GRCh37 (hg19) VCF-style: chr22-29092895-A-AAGAC.
Other names: c.1214_1217dup, p.Ile407fs (NM_001005735.3); c.422_425dup, p.Ile143fs (NM_001257387.3, NM_001437942.1); c.884_887dup, p.Ile297fs (NM_001349956.3); c.1178_1181dup, p.Ile395fs (NM_001438293.1); c.1009-1038_1009-1035dup (NM_145862.3); c.1102-1038_1102-1035dup (NM_001438295.1); c.1138-1038_1138-1035dup (NM_001438294.1); short protein forms I143fs, I297fs, I364fs, I407fs, I395fs.
Identifiers: ClinVar variation 3226015 (VCV003226015.1), dbSNP rs2517820275, ClinGen allele CA2825002874.